The following is an entry in ClinVar:

ClinVar aggregate classification (germline): Uncertain significance (1 of 4 stars; one submission).

Submission:

GeneDx
Classification: Uncertain significance. Last evaluated: 2022-04-07. Review status: criteria provided, single submitter. Criteria: GeneDx Variant Classification Process June 2021. Collection method: clinical testing. Allele origin: germline. Affected: yes.
Comment: Not observed at significant frequency in large population cohorts (gnomAD); In silico analysis supports that this missense variant does not alter protein structure/function; Has not been previously published as pathogenic or benign to our knowledge

NM_001100913.3(PACS2):c.1891G>A (p.Val631Ile)

Gene: PACS2 (phosphofurin acidic cluster sorting protein 2; plus strand). Cytogenetic location: 14q32.33.
Variant type: single nucleotide variant.
Coding change: c.1891G>A on transcript NM_001100913.3 (MANE Select); coding-DNA position 1891, G replaced by A.
Protein change: p.Val631Ile; replaces valine 631 with isoleucine.
Molecular consequence: missense variant.
Genome position (GRCh38, 1-based): chr14:105,384,463, G>A. VCF-style: chr14-105384463-G-A. GRCh37 (hg19) VCF-style: chr14-105850800-G-A.
Other names: c.1654G>A, p.Val552Ile (NM_001243127.3); c.1879G>A, p.Val627Ile (NM_015197.4); short protein forms V552I, V627I, V631I.
Identifiers: ClinVar variation 1708774 (VCV001708774.2), dbSNP rs2544828778, ClinGen allele CA391184199.